The following is an entry in ClinVar:

ClinVar aggregate classification (germline): Conflicting classifications of pathogenicity. Review status: criteria provided, conflicting classifications (1 of 4 stars). 5 submissions from 5 submitters: Uncertain significance (2); Likely benign (2). 1 of the submissions does not count toward it. Last evaluated 2025-04-02.

Conditions:
MRE11-related disorder. Also called: MRE11-related condition.
Ataxia-telangiectasia-like disorder (ATLD). Identifiers: MedGen C1858391, MONDO:0011457.
Hereditary cancer-predisposing syndrome. Also called: Hereditary neoplastic syndrome; Neoplastic Syndromes, Hereditary; Tumor predisposition; Hereditary Cancer Syndrome. Identifiers: Orphanet 140162, MedGen C0027672, MeSH D009386, MONDO:0015356.
Ataxia-telangiectasia-like disorder 1 (ATLD1). Identifiers: Orphanet 251347, MedGen C4012790, MONDO:0024557, OMIM 604391.

Allele frequency attached by ClinVar (database versions not stated): gnomAD 0.00004; TOPMed 0.00005; ExAC 0.00006; gnomAD exomes 0.00007; ESP Exome Variant Server 0.00015.

Submissions (5):

Quest Diagnostics Nichols Institute San Juan Capistrano
Classification: Uncertain significance. Last evaluated: 2025-04-02. Review status: criteria provided, single submitter. Criteria: Quest Diagnostics criteria. Collection method: clinical testing. Allele origin: unknown.

Labcorp Genetics (formerly Invitae), Labcorp
Classification: Likely benign for Ataxia-telangiectasia-like disorder. Last evaluated: 2024-04-29. Review status: criteria provided, single submitter. Criteria: Invitae Variant Classification Sherloc (09022015). Collection method: clinical testing. Allele origin: germline.

Ambry Genetics
Classification: Likely benign for Hereditary cancer-predisposing syndrome. Last evaluated: 2019-08-09. Review status: criteria provided, single submitter. Criteria: Ambry Variant Classification Scheme 2023. Collection method: clinical testing. Allele origin: germline.

Illumina Laboratory Services, Illumina
Classification: Uncertain significance for Ataxia-telangiectasia-like disorder 1. Last evaluated: 2018-01-13. Review status: criteria provided, single submitter. Criteria: ICSL Variant Classification Criteria 13 December 2019. Collection method: clinical testing. Allele origin: germline.

PreventionGenetics, part of Exact Sciences
Classification: Likely benign for MRE11-related condition. Last evaluated: 2022-04-19. Review status: no assertion criteria provided. Collection method: clinical testing. Allele origin: germline. Not counted in ClinVar's aggregate classification.
Comment: This variant is classified as likely benign based on ACMG/AMP sequence variant interpretation guidelines (Richards et al. 2015 PMID: 25741868, with internal and published modifications).

NM_005591.4(MRE11):c.940C>T (p.Leu314=)

Gene: MRE11 (MRE11 double strand break repair nuclease; minus strand). Cytogenetic location: 11q21.
Variant type: single nucleotide variant.
Coding change: c.940C>T on transcript NM_005591.4 (MANE Select); coding-DNA position 940, C replaced by T.
Protein change: p.Leu314=; no amino-acid change (leucine 314 retained).
Molecular consequence: synonymous variant.
Genome position (GRCh38, 1-based): chr11:94,470,548, G>A on the plus strand (C>T on the coding strand, the complement: MRE11 is on the minus strand). VCF-style: chr11-94470548-G-A. GRCh37 (hg19) VCF-style: chr11-94203714-G-A.
Other names: c.940C>T, p.Leu314= (NM_001330347.2, NM_005590.4).
Identifiers: ClinVar variation 184270 (VCV000184270.22), dbSNP rs368362407, ClinGen allele CA188436.